The following is an entry in ClinVar:

NM_017617.5(NOTCH1):c.6691C>G (p.Leu2231Val)

Gene: NOTCH1 (notch receptor 1; minus strand). Cytogenetic location: 9q34.3.
Variant type: single nucleotide variant.
Coding change: c.6691C>G on transcript NM_017617.5 (MANE Select); coding-DNA position 6691, C replaced by G.
Protein change: p.Leu2231Val; replaces leucine 2231 with valine.
Molecular consequence: missense variant.
Genome position (GRCh38, 1-based): chr9:136,497,048, G>C on the plus strand (C>G on the coding strand, the complement: NOTCH1 is on the minus strand). VCF-style: chr9-136497048-G-C. GRCh37 (hg19) VCF-style: chr9-139391500-G-C.
Other names: short protein forms L2231V.
Identifiers: ClinVar variation 1754916 (VCV001754916.2), dbSNP rs2540421841, ClinGen allele CA375630693.

ClinVar aggregate classification (germline): Uncertain significance (1 of 4 stars; one submission).

Conditions:
Familial thoracic aortic aneurysm and aortic dissection (TAAD). Also called: Thoracic aortic aneurysms and dissections. Identifiers: Orphanet 91387, MedGen C4707243, MONDO:0019625.

Submission:

Ambry Genetics
Classification: Uncertain significance for Familial thoracic aortic aneurysm and aortic dissection. Last evaluated: 2022-07-14. Review status: criteria provided, single submitter. Criteria: Ambry Variant Classification Scheme 2023. Collection method: clinical testing. Allele origin: germline.
Comment: The p.L2231V variant (also known as c.6691C>G), located in coding exon 34 of the NOTCH1 gene, results from a C to G substitution at nucleotide position 6691. The leucine at codon 2231 is replaced by valine, an amino acid with highly similar properties. This amino acid position is conserved. In addition, this alteration is predicted to be tolerated by in silico analysis. Since supporting evidence is limited at this time, the clinical significance of this alteration remains unclear.